The following is an entry in ClinVar:

NM_000179.3(MSH6):c.2283G>A (p.Arg761=)

Gene: MSH6 (mutS homolog 6; plus strand). Cytogenetic location: 2p16.3.
Variant type: single nucleotide variant.
Coding change: c.2283G>A on transcript NM_000179.3 (MANE Select); coding-DNA position 2283, G replaced by A.
Protein change: p.Arg761=; no amino-acid change (arginine 761 retained).
Molecular consequence: synonymous variant.
Genome position (GRCh38, 1-based): chr2:47,800,266, G>A. VCF-style: chr2-47800266-G-A. GRCh37 (hg19) VCF-style: chr2-48027405-G-A.
Other names: c.1377G>A, p.Arg459= (NM_001281494.2, NM_001281493.2); c.1893G>A, p.Arg631= (NM_001281492.2).
Identifiers: ClinVar variation 390617 (VCV000390617.19), dbSNP rs1057523842, ClinGen allele CA16604591.

ClinVar aggregate classification (germline): Benign/Likely benign. Review status: criteria provided, multiple submitters, no conflicts (2 of 4 stars). 6 submissions from 6 submitters: Benign (1); Likely benign (5). Last evaluated 2024-12-30.

Conditions:
Hereditary cancer-predisposing syndrome. Also called: Hereditary Cancer Syndrome; Hereditary neoplastic syndrome; Neoplastic Syndromes, Hereditary; Tumor predisposition. Identifiers: Orphanet 140162, MedGen C0027672, MeSH D009386, MONDO:0015356.
Lynch syndrome. Identifiers: Orphanet 144, MedGen C4552100, MONDO:0005835. Disease mechanism: loss of function.
Hereditary nonpolyposis colorectal neoplasms. Identifiers: MedGen C0009405, MeSH D003123.
Lynch syndrome 5 (LYNCH5). Also called: Hereditary non-polyposis colorectal cancer, type 5; Colorectal cancer, hereditary nonpolyposis, type 5. Identifiers: Orphanet 144, MedGen C1833477, MONDO:0013710, OMIM 614350. Disease mechanism: loss of function.

Allele frequency attached by ClinVar (database versions not stated): gnomAD exomes 0.00001.
gnomAD v4.1: 10 of 1,614,106 alleles (0.00062%); highest among the groups gnomAD compares: Non-Finnish European, 0.00085%; no homozygotes.

Submissions (6):

Myriad Genetics, Inc.
Classification: Benign for Lynch syndrome 5. Last evaluated: 2024-12-30. Review status: criteria provided, single submitter. Criteria: Myriad Autosomal Dominant, Autosomal Recessive and X-Linked Classification Criteria (2023). Collection method: clinical testing. Allele origin: unknown.
Comment: This variant is considered benign. This variant is a silent/synonymous amino acid change and it is not expected to impact splicing.

Labcorp Genetics (formerly Invitae), Labcorp
Classification: Likely benign for Hereditary nonpolyposis colorectal neoplasms. Last evaluated: 2024-05-09. Review status: criteria provided, single submitter. Criteria: Invitae Variant Classification Sherloc (09022015). Collection method: clinical testing. Allele origin: germline.

All of Us Research Program, National Institutes of Health
Classification: Likely benign for Lynch syndrome. Last evaluated: 2023-05-04. Review status: criteria provided, single submitter. Criteria: ACMG Guidelines, 2015. Collection method: clinical testing. Allele origin: germline. Inheritance: Autosomal dominant inheritance. Observed: 1 variant allele, 1 heterozygote.
Comment: This study involves interpretation of variants in research participants for the purpose of population health screening. Participant phenotype was not available at the time of variant classification. Additional details can be found in publication PMID: 35346344, PMCID: PMC8962531

Ambry Genetics
Classification: Likely benign for Hereditary cancer-predisposing syndrome. Last evaluated: 2017-07-20. Review status: criteria provided, single submitter. Criteria: Ambry Variant Classification Scheme 2023. Collection method: clinical testing. Allele origin: germline.

Color Diagnostics, LLC DBA Color Health
Classification: Likely benign for Hereditary cancer-predisposing syndrome. Last evaluated: 2017-04-17. Review status: criteria provided, single submitter. Criteria: ACMG Guidelines, 2015. Collection method: clinical testing. Allele origin: germline.

GeneDx
Classification: Likely benign. Last evaluated: 2016-10-31. Review status: criteria provided, single submitter. Criteria: GeneDx Variant Classification (06012015). Collection method: clinical testing. Allele origin: germline. Affected: yes.
Comment: This variant is considered likely benign or benign based on one or more of the following criteria: it is a conservative change, it occurs at a poorly conserved position in the protein, it is predicted to be benign by multiple in silico algorithms, and/or has population frequency not consistent with disease.